The following is an entry in ClinVar:

NM_020921.4(NIN):c.4456G>C (p.Glu1486Gln)

Gene: NIN (ninein; minus strand). Cytogenetic location: 14q22.1.
Variant type: single nucleotide variant.
Coding change: c.4456G>C on transcript NM_020921.4 (MANE Select); coding-DNA position 4456, G replaced by C.
Protein change: p.Glu1486Gln; replaces glutamic acid 1486 with glutamine.
Molecular consequence: missense variant. On other transcripts: intron variant (1).
Genome position (GRCh38, 1-based): chr14:50,756,574, C>G on the plus strand (G>C on the coding strand, the complement: NIN is on the minus strand). VCF-style: chr14-50756574-C-G. GRCh37 (hg19) VCF-style: chr14-51223292-C-G.
Other names: c.4456G>C, p.Glu1486Gln (NM_182944.3, NM_182946.2); c.2400-1707G>C (NM_016350.5); short protein forms E1486Q.
Identifiers: ClinVar variation 3605169 (VCV003605169.2).

ClinVar aggregate classification (germline): Uncertain significance (1 of 4 stars; one submission).

gnomAD v4.1: 62 of 1,611,768 alleles (0.0038%); highest among the groups gnomAD compares: Non-Finnish European, 0.0047%; no homozygotes.

Submission:

Labcorp Genetics (formerly Invitae), Labcorp
Classification: Uncertain significance. Last evaluated: 2024-02-20. Review status: criteria provided, single submitter. Criteria: Invitae Variant Classification Sherloc (09022015). Collection method: clinical testing. Allele origin: germline.
Comment: This sequence change replaces glutamic acid, which is acidic and polar, with glutamine, which is neutral and polar, at codon 1486 of the NIN protein (p.Glu1486Gln). This variant is present in population databases (rs368818351, gnomAD 0.007%). This variant has not been reported in the literature in individuals affected with NIN-related conditions. An algorithm developed to predict the effect of missense changes on protein structure and function (PolyPhen-2) suggests that this variant is likely to be tolerated. In summary, the available evidence is currently insufficient to determine the role of this variant in disease. Therefore, it has been classified as a Variant of Uncertain Significance.